The following is an entry in ClinVar:

NM_173842.3(IL1RN):c.205+21C>T

Gene: IL1RN (interleukin 1 receptor antagonist; plus strand). Cytogenetic location: 2q14.1.
Variant type: single nucleotide variant.
Coding change: c.205+21C>T on transcript NM_173842.3 (MANE Select); 21 bases into the intron after coding-DNA position 205, C replaced by T.
Molecular consequence: intron variant.
Genome position (GRCh38, 1-based): chr2:113,129,685, C>T. VCF-style: chr2-113129685-C-T. GRCh37 (hg19) VCF-style: chr2-113887262-C-T.
Other names: NC_000002.11:g.113887262C>T; c.103+21C>T (NM_001318914.2, NM_173843.3, NM_001379360.1); c.214+21C>T (NM_173841.3); c.151+21C>T (NM_000577.5).
Identifiers: ClinVar variation 1294767 (VCV001294767.6), dbSNP rs423904, ClinGen allele CA1838808.

ClinVar aggregate classification (germline): Benign. Review status: criteria provided, multiple submitters, no conflicts (2 of 4 stars). 3 submissions from 3 submitters: Benign (3). Last evaluated 2023-11-12.

Allele frequency attached by ClinVar (database versions not stated): 1000 Genomes Project 30x 0.18738; 1000 Genomes Project 0.19169; TOPMed 0.20598; ESP Exome Variant Server 0.20606; gnomAD 0.21251 and 0.21553; ExAC 0.24921; gnomAD exomes 0.25634 and 0.26598.
gnomAD v4.1: 395,125 of 1,516,674 alleles (26%); highest among the groups gnomAD compares: Admixed American, 31%; 54,265 homozygotes.

Submissions (4):

Unidad de Genómica Garrahan, Hospital de Pediatría Garrahan
Classification: Benign. Last evaluated: 2023-11-12. Review status: criteria provided, single submitter. Criteria: ACMG Guidelines, 2015. Collection method: clinical testing. Allele origin: germline. Affected: no. Observed: 49 variant alleles.
Comment: This variant is classified as Benign based on local population frequency. This variant was detected in 51% of patients studied by a panel of primary immunodeficiencies. Number of patients: 49. Only high quality variants are reported.

GeneDx
Classification: Benign. Last evaluated: 2021-05-12. Review status: criteria provided, single submitter. Criteria: GeneDx Variant Classification Process June 2021. Collection method: clinical testing. Allele origin: germline. Affected: yes.

Breakthrough Genomics
Classification: Benign. Review status: criteria provided, single submitter. Criteria: ACMG Guidelines, 2015. Collection method: not provided. Allele origin: germline. Inheritance: Autosomal recessive inheritance. Affected: yes.

Dr. Peter K. Rogan Lab, Western University
No classification provided (evidence only). Condition: Familial cancer of breast. Review status: no classification provided. Collection method: in vitro. Allele origin: not applicable. Functional consequence: retained intron. Not counted in ClinVar's aggregate classification.